The following is an entry in ClinVar:

ClinVar aggregate classification (germline): Likely benign (1 of 4 stars; one submission).

Allele frequency attached by ClinVar (database versions not stated): gnomAD exomes 0.00010; ExAC 0.00028; ESP Exome Variant Server 0.00008; gnomAD 0.00009; TOPMed 0.00010.

Submission:

GeneDx
Classification: Likely benign. Last evaluated: 2018-02-22. Review status: criteria provided, single submitter. Criteria: GeneDx Variant Classification (06012015). Collection method: clinical testing. Allele origin: germline. Affected: yes.
Comment: This variant is considered likely benign or benign based on one or more of the following criteria: it is a conservative change, it occurs at a poorly conserved position in the protein, it is predicted to be benign by multiple in silico algorithms, and/or has population frequency not consistent with disease.

NM_020778.4(ALPK3):c.-30G>T

Gene: ALPK3 (alpha kinase 3; plus strand). Cytogenetic location: 15q25.3.
Variant type: single nucleotide variant.
Coding change: c.-30G>T on transcript NM_020778.4; 30 bases upstream of the start codon, G replaced by T.
Genome position (GRCh38, 1-based): chr15:84,816,817, G>T. VCF-style: chr15-84816817-G-T. GRCh37 (hg19) VCF-style: chr15-85360048-G-T.
Identifiers: ClinVar variation 390931 (VCV000390931.3), dbSNP rs370679146, ClinGen allele CA7708762.
Genomic context (GRCh38, chr15:84,816,817, plus strand): 5'-GCCCCTAATCTATGCTAGTTACTGGGGGTGTTGGGGGAGACAGGAGAGAGATCCCACGGG[G>T]TTCCGGCCTCCCAGGGACTCAGGTCACTAATGGAGGTGGCTTGGCTTGTCTATGTGCTGG-3'